The following is an entry in ClinVar:

ClinVar aggregate classification (germline): Uncertain significance (1 of 4 stars; one submission).

Submissions (2):

GeneDx
Classification: Uncertain significance. Last evaluated: 2025-09-01. Review status: criteria provided, single submitter. Criteria: GeneDx Variant Classification Process June 2021. Collection method: clinical testing. Allele origin: germline. Affected: yes.
Comment: Not observed at significant frequency in large population cohorts (gnomAD); In silico analysis is inconclusive as to whether the variant alters gene splicing. In the absence of RNA/functional studies, the actual effect of this sequence change is unknown.; Has not been previously published as pathogenic or benign to our knowledge

Dr. Peter K. Rogan Lab, Western University
No classification provided (evidence only). Condition: Ovarian serous cystadenocarcinoma. Review status: no classification provided. Collection method: in vitro. Allele origin: not applicable. Functional consequence: retained intron. Not counted in ClinVar's aggregate classification.

NM_001320.7(CSNK2B):c.291+4A>G

Gene: CSNK2B (casein kinase 2 beta; plus strand). Cytogenetic location: 6p21.33.
Variant type: single nucleotide variant.
Coding change: c.291+4A>G on transcript NM_001320.7 (MANE Select); 4 bases into the intron after coding-DNA position 291, A replaced by G.
Molecular consequence: intron variant.
Genome position (GRCh38, 1-based): chr6:31,668,658, A>G. VCF-style: chr6-31668658-A-G. GRCh37 (hg19) VCF-style: chr6-31636435-A-G.
Other names: NC_000006.11:g.31636435A>G; c.291+4A>G (NM_001282385.2).
Identifiers: ClinVar variation 4325684 (VCV004325684.2).
Genomic context (GRCh38, chr6:31,668,658, plus strand): 5'-CTTTATGGATTGATCCACGCCCGCTACATCCTTACCAACCGTGGCATCGCCCAGATGGTG[A>G]GGCCTCTCTGCTCCTACCTGCCTCCTTCTGAGCAGTAAGAGACACAGGTTCCTGCAGCAA-3'